The following is an entry in ClinVar:

ClinVar aggregate classification (germline): Likely benign. Review status: criteria provided, multiple submitters, no conflicts (2 of 4 stars). 3 submissions from 3 submitters: Likely benign (2). 1 of the submissions does not count toward it. Last evaluated 2022-05-01.

Conditions:
HIRA-related disorder.

Allele frequency attached by ClinVar (database versions not stated): gnomAD exomes 0.00013 and 0.00028; gnomAD 0.00018 and 0.00019; TOPMed 0.00023; ExAC 0.00026; 1000 Genomes Project 0.00060; 1000 Genomes Project 30x 0.00062.
gnomAD v4.1: 214 of 1,613,958 alleles (0.013%); highest among the groups gnomAD compares: Admixed American, 0.12%; no homozygotes.

Submissions (3):

CeGaT Center for Human Genetics Tuebingen
Classification: Likely benign. Last evaluated: 2022-05-01. Review status: criteria provided, single submitter. Criteria: CeGaT Center For Human Genetics Tuebingen Variant Classification Criteria Version 2. Collection method: clinical testing. Allele origin: germline. Affected: yes. Observed: 1 variant allele.
Comment: HIRA: BP4, BP7

Labcorp Genetics (formerly Invitae), Labcorp
Classification: Likely benign. Last evaluated: 2019-12-31. Review status: criteria provided, single submitter. Criteria: Invitae Variant Classification Sherloc (09022015). Collection method: clinical testing. Allele origin: germline.

PreventionGenetics, part of Exact Sciences
Classification: Likely benign for HIRA-related condition. Last evaluated: 2019-04-25. Review status: no assertion criteria provided. Collection method: clinical testing. Allele origin: germline. Not counted in ClinVar's aggregate classification.
Comment: This variant is classified as likely benign based on ACMG/AMP sequence variant interpretation guidelines (Richards et al. 2015 PMID: 25741868, with internal and published modifications).

NM_003325.4(HIRA):c.1539C>T (p.Gly513=)

Gene: HIRA (histone cell cycle regulator; minus strand). Cytogenetic location: 22q11.21.
Variant type: single nucleotide variant.
Coding change: c.1539C>T on transcript NM_003325.4 (MANE Select); coding-DNA position 1539, C replaced by T.
Protein change: p.Gly513=; no amino-acid change (glycine 513 retained).
Molecular consequence: synonymous variant.
Genome position (GRCh38, 1-based): chr22:19,377,943, G>A on the plus strand (C>T on the coding strand, the complement: HIRA is on the minus strand). VCF-style: chr22-19377943-G-A. GRCh37 (hg19) VCF-style: chr22-19365466-G-A.
Identifiers: ClinVar variation 739956 (VCV000739956.29), dbSNP rs200067386, ClinGen allele CA10099659.